The following is an entry in ClinVar:

NM_000059.4(BRCA2):c.3493C>T (p.His1165Tyr)

Gene: BRCA2 (BRCA2 DNA repair associated; plus strand). Cytogenetic location: 13q13.1.
Variant type: single nucleotide variant.
Coding change: c.3493C>T on transcript NM_000059.4 (MANE Select); coding-DNA position 3493, C replaced by T.
Protein change: p.His1165Tyr; replaces histidine 1165 with tyrosine.
Molecular consequence: missense variant.
Genome position (GRCh38, 1-based): chr13:32,337,848, C>T. VCF-style: chr13-32337848-C-T. GRCh37 (hg19) VCF-style: chr13-32911985-C-T.
Other names: c.3493C>T, p.His1165Tyr (NM_001406719.1, NM_001406720.1); short protein forms H1165Y.
Identifiers: ClinVar variation 1731968 (VCV001731968.4), dbSNP rs2137497182, ClinGen allele CA387776912.

ClinVar aggregate classification (germline): Conflicting classifications of pathogenicity. Review status: criteria provided, conflicting classifications (1 of 4 stars). 2 submissions from 2 submitters: Uncertain significance (1); Likely benign (1). Last evaluated 2023-03-23.

Conditions:
Hereditary cancer-predisposing syndrome. Also called: Neoplastic Syndromes, Hereditary; Tumor predisposition; Hereditary Cancer Syndrome; Hereditary neoplastic syndrome. Identifiers: Orphanet 140162, MedGen C0027672, MeSH D009386, MONDO:0015356.

Submissions (2):

University of Washington Department of Laboratory Medicine, University of Washington
Classification: Likely benign for Hereditary cancer-predisposing syndrome. Last evaluated: 2023-03-23. Review status: criteria provided, single submitter. Criteria: Dines et al. (Genet Med. 2020). Collection method: curation. Allele origin: germline.
Comment: Missense variant in a coldspot region where missense variants are very unlikely to be pathogenic (PMID:31911673).

BRCA2 exon 11 coldspot. Reclassification based on statistical prior probability.

Ambry Genetics
Classification: Uncertain significance for Hereditary cancer-predisposing syndrome. Last evaluated: 2021-12-22. Review status: criteria provided, single submitter. Criteria: Ambry Variant Classification Scheme 2023. Collection method: clinical testing. Allele origin: germline.
Comment: The p.H1165Y variant (also known as c.3493C>T), located in coding exon 10 of the BRCA2 gene, results from a C to T substitution at nucleotide position 3493. The histidine at codon 1165 is replaced by tyrosine, an amino acid with similar properties. This amino acid position is not well conserved in available vertebrate species. In addition, this alteration is predicted to be tolerated by in silico analysis. Since supporting evidence is limited at this time, the clinical significance of this alteration remains unclear.